The following is an entry in ClinVar:

ClinVar aggregate classification (germline): Pathogenic (1 of 4 stars; one submission).

Conditions:
Cystic fibrosis (CF). Also called: MUCOVISCIDOSIS. Identifiers: Orphanet 586, MedGen C0010674, MONDO:0009061, OMIM 219700. Disease mechanism: loss of function.

Submission:

Labcorp Genetics (formerly Invitae), Labcorp
Classification: Pathogenic for Cystic fibrosis. Last evaluated: 2022-04-06. Review status: criteria provided, single submitter. Criteria: Invitae Variant Classification Sherloc (09022015). Collection method: clinical testing. Allele origin: germline.
Comment: For these reasons, this variant has been classified as Pathogenic. This variant has not been reported in the literature in individuals affected with CFTR-related conditions. This variant is not present in population databases (gnomAD no frequency). This sequence change creates a premature translational stop signal (p.Ile539*) in the CFTR gene. It is expected to result in an absent or disrupted protein product. Loss-of-function variants in CFTR are known to be pathogenic (PMID: 1695717, 7691345, 9725922).

Literature cited by the submitters: PubMed 1695717; PubMed 7691345; PubMed 9725922.

NM_000492.4(CFTR):c.1615del (p.Asn538_Ile539insTer)

Genes: CFTR (CF transmembrane conductance regulator; plus strand), LOC111674475 (CFTR intron 11 enhancer; plus strand). Cytogenetic location: 7q31.2.
Variant type: Deletion.
Coding change: c.1615del on transcript NM_000492.4 (MANE Select); coding-DNA position 1615, one base deleted (A; older notation c.1615delA).
Protein change: p.Asn538_Ile539insTer.
Molecular consequence: nonsense.
Genome position (GRCh38, 1-based): chr7:117,587,769, A deleted. VCF-style (leftmost placement, unchanged base first): chr7-117587768-TA-T. GRCh37 (hg19) VCF-style: chr7-117227822-TA-T.
Identifiers: ClinVar variation 2121909 (VCV002121909.4), dbSNP rs2485104125, ClinGen allele CA2580076307.